The following is an entry in ClinVar:

ClinVar aggregate classification (germline): Likely pathogenic (1 of 4 stars; one submission).

Conditions:
Fabry disease. Also called: Fabry's disease; ALPHA-GALACTOSIDASE A DEFICIENCY; ANDERSON-FABRY DISEASE; CERAMIDE TRIHEXOSIDASE DEFICIENCY; GLA DEFICIENCY; HEREDITARY DYSTOPIC LIPIDOSIS. Identifiers: Orphanet 324, MedGen C0002986, MONDO:0010526, OMIM 301500, HP:0001071. Disease mechanism: Fabry disease is due to inactivating mutations in the X-linked GLA gene resulting in deficiency of the enzyme Alpha Galactosidase-A., loss of function.

Submission:

Genomenon, Inc
Classification: Likely pathogenic for Fabry disease. Last evaluated: 2025-09-19. Review status: criteria provided, single submitter. Criteria: Genomenon Sequence Variant Interpretation Standards. Collection method: curation. Allele origin: germline. Affected: yes.
Comment: GLA c.1160T>C is a missense variant that changes the amino acid at residue 387 from Leucine to Proline. This variant has been observed in at least one proband affected with Fabry disease (PMID:28509189). The variant was found to segregate with disease in at least one affected family (PMID:28509189). It is absent or not present at a significant frequency in gnomAD. In silico models agree that this variant is possibly or probably damaging. In conclusion, we classify GLA c.1160T>C as a likely pathogenic variant.

Literature cited by the submitters: PubMed 28509189.

NM_000169.3(GLA):c.1160T>C (p.Leu387Pro)

Genes: GLA (galactosidase alpha; minus strand), RPL36A-HNRNPH2 (RPL36A-HNRNPH2 readthrough; plus strand). Cytogenetic location: Xq22.1.
Variant type: single nucleotide variant.
Coding change: c.1160T>C on transcript NM_000169.3 (MANE Select); coding-DNA position 1160, T replaced by C.
Protein change: p.Leu387Pro; replaces leucine 387 with proline.
Molecular consequence: missense variant. On other transcripts: intron variant (2), non-coding transcript variant (3).
Genome position (GRCh38, 1-based): chrX:101,397,939, A>G on the plus strand (T>C on the coding strand, the complement: GLA is on the minus strand). VCF-style: chrX-101397939-A-G. GRCh37 (hg19) VCF-style: chrX-100652927-A-G.
Other names: c.300+2482A>G (NM_001199973.2); c.177+6117A>G (NM_001199974.2); c.1283T>C, p.Leu428Pro (NM_001406747.1); short protein forms L387P, L428P.
Identifiers: ClinVar variation 4087651 (VCV004087651.1), dbSNP rs869312234.